The following is an entry in ClinVar:

NM_001039876.3(SYNE4):c.96dup (p.Val33fs)

Gene: SYNE4 (spectrin repeat containing nuclear envelope family member 4; minus strand). Cytogenetic location: 19q13.12.
Variant type: Duplication.
Coding change: c.96dup on transcript NM_001039876.3 (MANE Select); coding-DNA position 96, one base duplicated (C; older notation c.96dupC).
Protein change: p.Val33fs; shifts the reading frame from valine 33.
Molecular consequence: frameshift variant.
Genome position (GRCh38, 1-based): chr19:36,008,586, G duplicated on the plus strand (C on the coding strand, the reverse complement: SYNE4 is on the minus strand); the first of 2 consecutive G bases (chr19:36,008,586-36,008,587); duplicating either gives the same sequence. VCF-style (leftmost placement, unchanged base first): chr19-36008585-C-CG. GRCh37 (hg19) VCF-style: chr19-36499487-C-CG.
Other names: c.96dup, p.Val33fs (NM_001297735.3); short protein forms V33fs.
Identifiers: ClinVar variation 2991790 (VCV002991790.4), dbSNP rs2514051953, ClinGen allele CA2576760984.

ClinVar aggregate classification (germline): Pathogenic/Likely pathogenic. Review status: criteria provided, multiple submitters, no conflicts (2 of 4 stars). 2 submissions from 2 submitters: Pathogenic (1); Likely pathogenic (1). Last evaluated 2024-04-11.

Conditions:
Autosomal recessive nonsyndromic hearing loss 76. Also called: Deafness, autosomal recessive 76. Identifiers: Orphanet 90636, MedGen C3147083, MONDO:0014237, OMIM 615540.

Submissions (2):

Fulgent Genetics
Classification: Likely pathogenic for Autosomal recessive nonsyndromic hearing loss 76. Last evaluated: 2024-04-11. Review status: criteria provided, single submitter. Criteria: ACMG Guidelines, 2015. Collection method: clinical testing. Allele origin: germline.

Labcorp Genetics (formerly Invitae), Labcorp
Classification: Pathogenic. Last evaluated: 2023-10-15. Review status: criteria provided, single submitter. Criteria: Invitae Variant Classification Sherloc (09022015). Collection method: clinical testing. Allele origin: germline.
Comment: This sequence change creates a premature translational stop signal (p.Val33Argfs*27) in the SYNE4 gene. It is expected to result in an absent or disrupted protein product. Loss-of-function variants in SYNE4 are known to be pathogenic (PMID: 23348741, 28958982). This variant is not present in population databases (gnomAD no frequency). This variant has not been reported in the literature in individuals affected with SYNE4-related conditions. For these reasons, this variant has been classified as Pathogenic.

Literature cited by the submitters: PubMed 23348741 (cited by Labcorp Genetics (formerly Invitae), Labcorp); PubMed 28958982 (cited by Labcorp Genetics (formerly Invitae), Labcorp).